The following is an entry in ClinVar:

ClinVar aggregate classification (germline): Uncertain significance (1 of 4 stars; one submission).

Conditions:
Inborn genetic diseases. Identifiers: MedGen C0950123, MeSH D030342.

Submission:

Ambry Genetics
Classification: Uncertain significance for Inborn genetic diseases. Last evaluated: 2026-01-19. Review status: criteria provided, single submitter. Criteria: Ambry Variant Classification Scheme 2023. Collection method: clinical testing. Allele origin: germline.
Comment: The p.E1183V variant (also known as c.3548A>T), located in coding exon 13 of the ASXL1 gene, results from an A to T substitution at nucleotide position 3548. The glutamic acid at codon 1183 is replaced by valine, an amino acid with dissimilar properties. This amino acid position is conserved. In addition, this alteration is predicted to be tolerated by in silico analysis. Based on the available evidence, the clinical significance of this variant remains unclear.

NM_015338.6(ASXL1):c.3548A>T (p.Glu1183Val)

Gene: ASXL1 (ASXL transcriptional regulator 1; plus strand). Cytogenetic location: 20q11.21.
Variant type: single nucleotide variant.
Coding change: c.3548A>T on transcript NM_015338.6 (MANE Select); coding-DNA position 3548, A replaced by T.
Protein change: p.Glu1183Val; replaces glutamic acid 1183 with valine.
Molecular consequence: missense variant.
Genome position (GRCh38, 1-based): chr20:32,436,260, A>T. VCF-style: chr20-32436260-A-T. GRCh37 (hg19) VCF-style: chr20-31024063-A-T.
Other names: c.3365A>T, p.Glu1122Val (NM_001363734.1); short protein forms E1122V, E1183V.
Identifiers: ClinVar variation 4825191 (VCV004825191.1).